The following is an entry in ClinVar:

NM_153603.4(COG7):c.79G>T (p.Glu27Ter)

Genes: COG7 (component of oligomeric golgi complex 7; minus strand), LOC130058658 (ATAC-STARR-seq lymphoblastoid active region 10580; plus strand). Cytogenetic location: 16p12.2.
Variant type: single nucleotide variant.
Coding change: c.79G>T on transcript NM_153603.4 (MANE Select); coding-DNA position 79, G replaced by T.
Protein change: p.Glu27Ter; replaces glutamic acid 27 with a stop codon.
Molecular consequence: nonsense.
Genome position (GRCh38, 1-based): chr16:23,452,916, C>A on the plus strand (G>T on the coding strand, the complement: COG7 is on the minus strand). VCF-style: chr16-23452916-C-A. GRCh37 (hg19) VCF-style: chr16-23464237-C-A.
Other names: short protein forms E27*.
Identifiers: ClinVar variation 3671796 (VCV003671796.2).
Genomic context (GRCh38, chr16:23,452,916, plus strand): 5'-ACAGCTGCAGCTTCATCACCAGGGTGGCTGCGTGGCCATCCGCCTTCCCGGACGCCGCCT[C>A]CTTGGAGCCGGCCCTGAAGGCCGCATTGATCCACTCCTTCACGTCGAAGTCGTCTGCCAG-3'

ClinVar aggregate classification (germline): Pathogenic (1 of 4 stars; one submission).

Conditions:
COG7 congenital disorder of glycosylation (CDG2E). Also called: CONGENITAL DISORDER OF GLYCOSYLATION, TYPE IIe; CDG IIe. Identifiers: Orphanet 79333, MedGen C2931010, MONDO:0012118, OMIM 608779.

gnomAD v4.1: 2 of 1,614,000 alleles (0.00012%); highest among the groups gnomAD compares: Non-Finnish European, 0.00017%; no homozygotes.

Submission:

Labcorp Genetics (formerly Invitae), Labcorp
Classification: Pathogenic for COG7 congenital disorder of glycosylation. Last evaluated: 2024-04-17. Review status: criteria provided, single submitter. Criteria: Invitae Variant Classification Sherloc (09022015). Collection method: clinical testing. Allele origin: germline.
Comment: This sequence change creates a premature translational stop signal (p.Glu27*) in the COG7 gene. It is expected to result in an absent or disrupted protein product. Loss-of-function variants in COG7 are known to be pathogenic (PMID: 21811164). This variant is not present in population databases (gnomAD no frequency). This variant has not been reported in the literature in individuals affected with COG7-related conditions. Experimental studies and prediction algorithms are not available or were not evaluated, and the functional significance of this variant is currently unknown. For these reasons, this variant has been classified as Pathogenic.

Literature cited by the submitters: PubMed 21811164.